The following is an entry in ClinVar:

ClinVar aggregate classification (germline): Uncertain significance (1 of 4 stars; one submission).

Allele frequency attached by ClinVar (database versions not stated): gnomAD exomes below 0.00001.
gnomAD v4.1: 5 of 1,614,216 alleles (0.00031%); highest among the groups gnomAD compares: Non-Finnish European, 0.00042%; no homozygotes.

Submission:

CeGaT Center for Human Genetics Tuebingen
Classification: Uncertain significance. Last evaluated: 2023-07-01. Review status: criteria provided, single submitter. Criteria: CeGaT Center For Human Genetics Tuebingen Variant Classification Criteria Version 2. Collection method: clinical testing. Allele origin: germline. Affected: yes. Observed: 1 variant allele.
Comment: TRRAP: PM2

NM_001375524.1(TRRAP):c.8332T>A (p.Tyr2778Asn)

Gene: TRRAP (transformation/transcription domain associated protein; plus strand). Cytogenetic location: 7q22.1.
Variant type: single nucleotide variant.
Coding change: c.8332T>A on transcript NM_001375524.1 (MANE Select); coding-DNA position 8332, T replaced by A.
Protein change: p.Tyr2778Asn; replaces tyrosine 2778 with asparagine.
Molecular consequence: missense variant.
Genome position (GRCh38, 1-based): chr7:98,977,023, T>A. VCF-style: chr7-98977023-T-A. GRCh37 (hg19) VCF-style: chr7-98574646-T-A.
Other names: c.8311T>A, p.Tyr2771Asn (NM_001244580.2); c.8257T>A, p.Tyr2753Asn (NM_003496.4); short protein forms Y2753N, Y2771N, Y2778N.
Identifiers: ClinVar variation 2579025 (VCV002579025.25), dbSNP rs2484949734, ClinGen allele CA368304772.
Genomic context (GRCh38, chr7:98,977,023, plus strand): 5'-CTTTACTCCCTGTTACAAGAGGAAGATATGTGGGCTGGTCTGTGGCAGAAGCGGTGCAAG[T>A]ACTCGGAGACAGCGACTGCGATTGCTTACGAGCAGCACGGGTTCTTTGAGCAGGTAAACC-3'
Protein context (NP_001362453.1, residues 2768-2788): WAGLWQKRCK[Tyr2778Asn]SETATAIAYE